The following is an entry in ClinVar:

ClinVar aggregate classification (germline): Benign (1 of 4 stars; one submission).

Conditions:
Colorectal cancer, susceptibility to, 1. Also called: COLORECTAL ADENOMA AND CANCER, SUSCEPTIBILITY TO; COLORECTAL CANCER, SUSCEPTIBILITY TO, ON CHROMOSOME 9. Identifiers: MedGen C1837315, MONDO:0012132, OMIM 608812.

Submission:

Myriad Genetics, Inc.
Classification: Benign for Colorectal cancer, susceptibility to, 1. Last evaluated: 2026-04-22. Review status: criteria provided, single submitter. Criteria: Myriad Autosomal Dominant, Autosomal Recessive and X-Linked Classification Criteria (2023). Collection method: clinical testing. Allele origin: unknown.
Comment: This variant is considered benign. This variant is a silent/synonymous amino acid change and it is not expected to impact splicing.

NM_024642.5(GALNT12):c.18G>C (p.Ala6=)

Gene: GALNT12 (polypeptide N-acetylgalactosaminyltransferase 12; plus strand). Cytogenetic location: 9q22.33.
Variant type: single nucleotide variant.
Coding change: c.18G>C on transcript NM_024642.5 (MANE Select); coding-DNA position 18, G replaced by C.
Protein change: p.Ala6=; no amino-acid change (alanine 6 retained).
Molecular consequence: synonymous variant.
Genome position (GRCh38, 1-based): chr9:98,807,716, G>C. VCF-style: chr9-98807716-G-C. GRCh37 (hg19) VCF-style: chr9-101569998-G-C.
Identifiers: ClinVar variation 4875740 (VCV004875740.1).